The following is an entry in ClinVar:

ClinVar aggregate classification (germline): Likely pathogenic. Review status: criteria provided, multiple submitters, no conflicts (2 of 4 stars). 2 submissions from 2 submitters: Likely pathogenic (2). Last evaluated 2024-12-05.

Conditions:
GNAS-related disorder. Identifiers: MedGen CN380105.

Allele frequency attached by ClinVar (database versions not stated): gnomAD exomes below 0.00001.
gnomAD v4.1: 2 of 1,231,544 alleles (0.00016%); highest among the groups gnomAD compares: South Asian, 0.0014%; no homozygotes.

Submissions (2):

GeneDx
Classification: Likely pathogenic. Last evaluated: 2024-12-05. Review status: criteria provided, single submitter. Criteria: GeneDx Variant Classification Process June 2021. Collection method: clinical testing. Allele origin: germline. Affected: yes.
Comment: Not observed at significant frequency in large population cohorts (gnomAD); In silico analysis supports that this missense variant has a deleterious effect on protein structure/function; This variant is associated with the following publications: (PMID: 31886927, 29193623, 23884777, 34765856)

Blueprint Genetics
Classification: Likely pathogenic for GNAS-related disorders. Last evaluated: 2020-10-14. Review status: criteria provided, single submitter. Criteria: ACMG Guidelines, 2015. Collection method: clinical testing. Allele origin: germline. Affected: yes. Observed: 3 variant alleles.

NM_000516.7(GNAS):c.125G>A (p.Arg42His)

Gene: GNAS (GNAS complex locus; plus strand). Cytogenetic location: 20q13.32.
Variant type: single nucleotide variant.
Coding change: c.125G>A on transcript NM_000516.7 (MANE Select); coding-DNA position 125, G replaced by A.
Protein change: p.Arg42His; replaces arginine 42 with histidine.
Molecular consequence: missense variant. On other transcripts: intron variant (6).
Genome position (GRCh38, 1-based): chr20:58,891,851, G>A. VCF-style: chr20-58891851-G-A. GRCh37 (hg19) VCF-style: chr20-57466906-G-A.
Other names: c.125G>A, p.Arg42His (NM_001077488.5, NM_001077489.4, NM_001309842.2 and 1 more transcripts); c.*43-3761G>A (NM_016592.5); c.-38-3761G>A (NM_001309861.2); c.*1-3761G>A (NM_001077490.3); c.2069-3761G>A (NM_080425.4); c.*159-3761G>A (NM_001309883.1); c.-39+2498G>A (NM_001309840.2); short protein forms R42H.
Identifiers: ClinVar variation 379730 (VCV000379730.3), dbSNP rs1057520715, ClinGen allele CA16608477.